The following is an entry in ClinVar:

NM_004977.3(KCNC3):c.1848G>A (p.Gly616=)

Gene: KCNC3 (potassium voltage-gated channel subfamily C member 3; minus strand). Cytogenetic location: 19q13.33.
Variant type: single nucleotide variant.
Coding change: c.1848G>A on transcript NM_004977.3 (MANE Select); coding-DNA position 1848, G replaced by A.
Protein change: p.Gly616=; no amino-acid change (glycine 616 retained).
Molecular consequence: synonymous variant.
Genome position (GRCh38, 1-based): chr19:50,323,105, C>T on the plus strand (G>A on the coding strand, the complement: KCNC3 is on the minus strand). VCF-style: chr19-50323105-C-T. GRCh37 (hg19) VCF-style: chr19-50826362-C-T.
Other names: c.1620G>A, p.Gly540= (NM_001372305.1).
Identifiers: ClinVar variation 721131 (VCV000721131.5), dbSNP rs936146437, ClinGen allele CA309572620.

ClinVar aggregate classification (germline): Likely benign. Review status: criteria provided, multiple submitters, no conflicts (2 of 4 stars). 2 submissions from 2 submitters: Likely benign (2). Last evaluated 2026-06-01.

Allele frequency attached by ClinVar (database versions not stated): gnomAD 0.00001; TOPMed 0.00007.
gnomAD v4.1: 12 of 1,538,780 alleles (0.00078%); highest among the groups gnomAD compares: Admixed American, 0.024%; no homozygotes.

Submissions (2):

CeGaT Center for Human Genetics Tuebingen
Classification: Likely benign. Last evaluated: 2026-06-01. Review status: criteria provided, single submitter. Criteria: CeGaT Center For Human Genetics Tuebingen Variant Classification Criteria Version 2. Collection method: clinical testing. Allele origin: germline. Affected: yes. Observed: 1 variant allele.
Comment: KCNC3: BP4, BP7

Labcorp Genetics (formerly Invitae), Labcorp
Classification: Likely benign. Last evaluated: 2018-05-18. Review status: criteria provided, single submitter. Criteria: Invitae Variant Classification Sherloc (09022015). Collection method: clinical testing. Allele origin: germline.